The following is an entry in ClinVar:

NM_016327.3(UPB1):c.1034A>T (p.Asn345Ile)

Gene: UPB1 (beta-ureidopropionase 1; plus strand). Cytogenetic location: 22q11.23.
Variant type: single nucleotide variant.
Coding change: c.1034A>T on transcript NM_016327.3 (MANE Select); coding-DNA position 1034, A replaced by T.
Protein change: p.Asn345Ile; replaces asparagine 345 with isoleucine.
Molecular consequence: missense variant.
Genome position (GRCh38, 1-based): chr22:24,523,736, A>T. VCF-style: chr22-24523736-A-T. GRCh37 (hg19) VCF-style: chr22-24919704-A-T.
Other names: short protein forms N345I.
Identifiers: ClinVar variation 1702978 (VCV001702978.5), dbSNP rs1012254852, ClinGen allele CA322681987.

ClinVar aggregate classification (germline): Likely pathogenic. Review status: criteria provided, multiple submitters, no conflicts (2 of 4 stars). 5 submissions from 5 submitters: Likely pathogenic (3). 2 of the submissions do not count toward it. Last evaluated 2025-01-27.

Conditions:
Deficiency of beta-ureidopropionase (UPB1D). Also called: Beta-ureidopropionase deficiency. Identifiers: Orphanet 65287, MedGen C1291512, MONDO:0013164, OMIM 613161.
UPB1-related disorder. Also called: UPB1-related condition.

Allele frequency attached by ClinVar (database versions not stated): gnomAD exomes below 0.00001.
gnomAD v4.1: 6 of 1,614,138 alleles (0.00037%); highest among the groups gnomAD compares: Middle Eastern, 0.099%; no homozygotes.

Submissions (5):

First Genomix Gene Laboratory, Genetic Diagnostics Department
Classification: Likely pathogenic for Deficiency of beta-ureidopropionase. Last evaluated: 2025-01-27. Review status: criteria provided, single submitter. Criteria: ACMG Guidelines, 2015. Collection method: clinical testing. Allele origin: germline. Inheritance: Autosomal recessive inheritance. Affected: no. Observed: 1 variant allele.

Genomic Medicine Center of Excellence, King Faisal Specialist Hospital and Research Centre
Classification: Likely pathogenic for Deficiency of beta-ureidopropionase. Last evaluated: 2024-12-19. Review status: criteria provided, single submitter. Criteria: ACMG Guidelines, 2015. Collection method: clinical testing. Allele origin: germline.

GeneDx
Classification: Likely pathogenic. Last evaluated: 2023-03-21. Review status: criteria provided, single submitter. Criteria: GeneDx Variant Classification Process June 2021. Collection method: clinical testing. Allele origin: germline. Affected: yes.
Comment: Published functional studies demonstrate N345I reduced UPB1 protein expression and activity (Dobritzsch et al., 2022); In silico analysis supports that this missense variant has a deleterious effect on protein structure/function; Not observed at significant frequency in large population cohorts (gnomAD); This variant is associated with the following publications: (PMID: 35926322, 35151535)

PreventionGenetics, part of Exact Sciences
Classification: Uncertain significance for UPB1-related condition. Last evaluated: 2024-04-10. Review status: no assertion criteria provided. Collection method: clinical testing. Allele origin: germline. Not counted in ClinVar's aggregate classification.
Comment: The UPB1 c.1034A>T variant is predicted to result in the amino acid substitution p.Asn345Ile. This variant was reported the homozygous state in an individual with beta-ureidopropionase deficiency and functional studies indicated this variant impacted protein function (Dobritzsch et al 2022. PubMed ID: 35151535). This variant has not been reported in a large population database, indicating this variant is rare. Although we suspect that this variant may be pathogenic, at this time, the clinical significance of this variant is uncertain due to the absence of conclusive functional and genetic evidence.

OMIM
Classification: Pathogenic for BETA-UREIDOPROPIONASE DEFICIENCY. Last evaluated: 2022-08-24. Review status: no assertion criteria provided. Collection method: literature only. Allele origin: germline. Not counted in ClinVar's aggregate classification.

Literature cited by the submitters: PubMed 35151535 (cited by OMIM).